The following is an entry in ClinVar:

ClinVar aggregate classification (germline): Uncertain significance (1 of 4 stars; one submission).

Conditions:
Inborn genetic diseases. Identifiers: MedGen C0950123, MeSH D030342.

Submission:

Ambry Genetics
Classification: Uncertain significance for Inborn genetic diseases. Last evaluated: 2025-04-05. Review status: criteria provided, single submitter. Criteria: Ambry Variant Classification Scheme 2023. Collection method: clinical testing. Allele origin: germline.
Comment: The p.N682Y variant (also known as c.2044A>T), located in coding exon 17 of the KDM1A gene, results from an A to T substitution at nucleotide position 2044. The asparagine at codon 682 is replaced by tyrosine, an amino acid with dissimilar properties. This amino acid position is conserved. In addition, this alteration is predicted to be deleterious by in silico analysis. Based on the available evidence, the clinical significance of this variant remains unclear.

NM_001009999.3(KDM1A):c.2044A>T (p.Asn682Tyr)

Gene: KDM1A (lysine demethylase 1A; plus strand). Cytogenetic location: 1p36.12.
Variant type: single nucleotide variant.
Coding change: c.2044A>T on transcript NM_001009999.3 (MANE Select); coding-DNA position 2044, A replaced by T.
Protein change: p.Asn682Tyr; replaces asparagine 682 with tyrosine.
Molecular consequence: missense variant.
Genome position (GRCh38, 1-based): chr1:23,079,166, A>T. VCF-style: chr1-23079166-A-T. GRCh37 (hg19) VCF-style: chr1-23405659-A-T.
Other names: c.1990A>T, p.Asn664Tyr (NM_001363654.2); c.2050A>T, p.Asn684Tyr (NM_001410762.1); c.1972A>T, p.Asn658Tyr (NM_001410763.1, NM_015013.4); short protein forms N658Y, N664Y, N682Y, N684Y.
Identifiers: ClinVar variation 4042088 (VCV004042088.1).
Genomic context (GRCh38, chr1:23,079,166, plus strand): 5'-CAGTTTGTGCCACCTCTCCCTGAGTGGAAAACATCTGCAGTCCAAAGGATGGGATTTGGC[A>T]ACCTTAACAAGGTAGCTTGCCCTAGACACTCCTGTCTACAGATCTGATGTACAAATAGCA-3'
Protein context (NP_001009999.1, residues 672-692): TSAVQRMGFG[Asn682Tyr]LNKVVLCFDR